The following is an entry in ClinVar:

ClinVar aggregate classification (germline): Uncertain significance (1 of 4 stars; one submission).

Conditions:
Dilated cardiomyopathy 1W (CMD1W). Identifiers: Orphanet 154, MedGen C1969639, MONDO:0012667, OMIM 611407.

Allele frequency attached by ClinVar (database versions not stated): ExAC 0.00001.

Submission:

Labcorp Genetics (formerly Invitae), Labcorp
Classification: Uncertain significance for Dilated cardiomyopathy 1W. Last evaluated: 2022-07-14. Review status: criteria provided, single submitter. Criteria: Invitae Variant Classification Sherloc (09022015). Collection method: clinical testing. Allele origin: germline.
Comment: This sequence change replaces leucine, which is neutral and non-polar, with proline, which is neutral and non-polar, at codon 374 of the VCL protein (p.Leu374Pro). This variant is not present in population databases (gnomAD no frequency). In summary, the available evidence is currently insufficient to determine the role of this variant in disease. Therefore, it has been classified as a Variant of Uncertain Significance. Algorithms developed to predict the effect of missense changes on protein structure and function are either unavailable or do not agree on the potential impact of this missense change (SIFT: "Not Available"; PolyPhen-2: "Probably Damaging"; Align-GVGD: "Not Available"). This variant has not been reported in the literature in individuals affected with VCL-related conditions.

NM_014000.3(VCL):c.1121T>C (p.Leu374Pro)

Gene: VCL (vinculin; plus strand). Cytogenetic location: 10q22.2.
Variant type: single nucleotide variant.
Coding change: c.1121T>C on transcript NM_014000.3 (MANE Select); coding-DNA position 1121, T replaced by C.
Protein change: p.Leu374Pro; replaces leucine 374 with proline.
Molecular consequence: missense variant.
Genome position (GRCh38, 1-based): chr10:74,089,294, T>C. VCF-style: chr10-74089294-T-C. GRCh37 (hg19) VCF-style: chr10-75849052-T-C.
Other names: c.1121T>C, p.Leu374Pro (NM_003373.4); short protein forms L374P.
Identifiers: ClinVar variation 2186449 (VCV002186449.4), dbSNP rs772585321, ClinGen allele CA5562928.